The following is an entry in ClinVar:

ClinVar aggregate classification (germline): Benign/Likely benign. Review status: criteria provided, multiple submitters, no conflicts (2 of 4 stars). 3 submissions from 3 submitters: Benign (1); Likely benign (2). Last evaluated 2026-01-06.

Conditions:
Hereditary cancer-predisposing syndrome. Also called: Tumor predisposition; Neoplastic Syndromes, Hereditary; Hereditary neoplastic syndrome; Hereditary Cancer Syndrome. Identifiers: Orphanet 140162, MedGen C0027672, MeSH D009386, MONDO:0015356.
Oligodontia-cancer predisposition syndrome. Also called: TOOTH AGENESIS-COLORECTAL CANCER SYNDROME. Identifiers: Orphanet 300576, MedGen C1837750, MONDO:0012075, OMIM 608615. Disease mechanism: loss of function.

Allele frequency attached by ClinVar (database versions not stated): gnomAD 0.00001; gnomAD exomes 0.00001; TOPMed 0.00001.
gnomAD v4.1: 5 of 1,613,972 alleles (0.00031%); highest among the groups gnomAD compares: Non-Finnish European, 0.00042%; no homozygotes.

Submissions (3):

Labcorp Genetics (formerly Invitae), Labcorp
Classification: Likely benign for Oligodontia-cancer predisposition syndrome. Last evaluated: 2026-01-06. Review status: criteria provided, single submitter. Criteria: Invitae Variant Classification Sherloc (09022015). Collection method: clinical testing. Allele origin: germline.

Myriad Genetics, Inc.
Classification: Benign for Oligodontia-cancer predisposition syndrome. Last evaluated: 2024-06-28. Review status: criteria provided, single submitter. Criteria: Myriad Autosomal Dominant, Autosomal Recessive and X-Linked Classification Criteria (2023). Collection method: clinical testing. Allele origin: unknown.
Comment: This variant is considered benign. This variant is a silent/synonymous amino acid change and it is not expected to impact splicing.

Ambry Genetics
Classification: Likely benign for Hereditary cancer-predisposing syndrome. Last evaluated: 2022-07-07. Review status: criteria provided, single submitter. Criteria: Ambry Variant Classification Scheme 2023. Collection method: clinical testing. Allele origin: germline.

NM_004655.4(AXIN2):c.999C>T (p.Leu333=)

Gene: AXIN2 (axin 2; minus strand). Cytogenetic location: 17q24.1.
Variant type: single nucleotide variant.
Coding change: c.999C>T on transcript NM_004655.4 (MANE Select); coding-DNA position 999, C replaced by T.
Protein change: p.Leu333=; no amino-acid change (leucine 333 retained).
Molecular consequence: synonymous variant.
Genome position (GRCh38, 1-based): chr17:65,541,515, G>A on the plus strand (C>T on the coding strand, the complement: AXIN2 is on the minus strand). VCF-style: chr17-65541515-G-A. GRCh37 (hg19) VCF-style: chr17-63537633-G-A.
Other names: c.999C>T, p.Leu333= (NM_001363813.1); c.999C>T (LRG_296t1).
Identifiers: ClinVar variation 415229 (VCV000415229.15), dbSNP rs886848817, ClinGen allele CA16615610.